The following is an entry in ClinVar:

NM_000059.4(BRCA2):c.6618A>G (p.Lys2206=)

Gene: BRCA2 (BRCA2 DNA repair associated; plus strand). Cytogenetic location: 13q13.1.
Variant type: single nucleotide variant.
Coding change: c.6618A>G on transcript NM_000059.4 (MANE Select); coding-DNA position 6618, A replaced by G.
Protein change: p.Lys2206=; no amino-acid change (lysine 2206 retained).
Molecular consequence: synonymous variant.
Genome position (GRCh38, 1-based): chr13:32,340,973, A>G. VCF-style: chr13-32340973-A-G. GRCh37 (hg19) VCF-style: chr13-32915110-A-G.
Identifiers: ClinVar variation 427546 (VCV000427546.17), dbSNP rs762439990, ClinGen allele CA6940970.

ClinVar aggregate classification (germline): Likely benign. Review status: reviewed by expert panel (3 of 4 stars). 3 submissions from 3 submitters: Likely benign (1). 2 of the submissions do not count toward it. Last evaluated 2017-06-29.

Conditions:
Breast-ovarian cancer, familial, susceptibility to, 2 (BROVCA2). Also called: BRCA2 Hereditary Breast and Ovarian Cancer. Identifiers: Orphanet 145, MedGen C2675520, MONDO:0012933, OMIM 612555. Disease mechanism: loss of function.
Hereditary cancer-predisposing syndrome. Also called: Hereditary neoplastic syndrome; Tumor predisposition; Neoplastic Syndromes, Hereditary; Hereditary Cancer Syndrome. Identifiers: Orphanet 140162, MedGen C0027672, MeSH D009386, MONDO:0015356.
Hereditary breast ovarian cancer syndrome. Also called: BRCA1- and BRCA2-Associated Hereditary Breast and Ovarian Cancer; Hereditary breast and/or ovarian cancer syndrome; Hereditary breast and ovarian cancer; Hereditary breast and ovarian cancer syndrome; Hereditary breast and ovarian cancer syndrome (HBOC); Breast and ovarian cancer. Identifiers: Orphanet 145, MedGen C0677776, MeSH D061325, MONDO:0003582. Disease mechanism: loss of function.

Allele frequency attached by ClinVar (database versions not stated): gnomAD exomes below 0.00001; TOPMed below 0.00001; ExAC 0.00001.

Submissions (3):

Evidence-based Network for the Interpretation of Germline Mutant Alleles (ENIGMA)
Classification: Likely benign for Breast-ovarian cancer, familial, susceptibility to, 2. Last evaluated: 2017-06-29. Review status: reviewed by expert panel. Criteria: ENIGMA BRCA1/2 Classification Criteria (2017-06-29). Collection method: curation. Allele origin: germline.
Comment: Synonymous substitution variant, with low bioinformatic likelihood to result in a splicing aberration (Splicing prior probability 0.02).

Labcorp Genetics (formerly Invitae), Labcorp
Classification: Likely benign for Hereditary breast ovarian cancer syndrome. Last evaluated: 2025-12-28. Review status: criteria provided, single submitter. Criteria: Invitae Variant Classification Sherloc (09022015). Collection method: clinical testing. Allele origin: germline. Not counted in ClinVar's aggregate classification.

Ambry Genetics
Classification: Likely benign for Hereditary cancer-predisposing syndrome. Last evaluated: 2016-01-08. Review status: criteria provided, single submitter. Criteria: Ambry Variant Classification Scheme 2023. Collection method: clinical testing. Allele origin: germline. Not counted in ClinVar's aggregate classification.